The following is an entry in ClinVar:

ClinVar aggregate classification (germline): Uncertain significance. Review status: criteria provided, multiple submitters, no conflicts (2 of 4 stars). 3 submissions from 3 submitters: Uncertain significance (2). 1 of the submissions does not count toward it. Last evaluated 2023-11-18.

Conditions:
FZD4-related disorder. Also called: FZD4-related condition.
Inborn genetic diseases. Identifiers: MedGen C0950123, MeSH D030342.

Allele frequency attached by ClinVar (database versions not stated): gnomAD exomes 0.00002; ExAC 0.00003; gnomAD 0.00004; TOPMed 0.00004; ESP Exome Variant Server 0.00008.
gnomAD v4.1: 33 of 1,614,016 alleles (0.002%); highest among the groups gnomAD compares: African/African-American, 0.0053%; no homozygotes.

Submissions (3):

Ambry Genetics
Classification: Uncertain significance for Inborn genetic diseases. Last evaluated: 2023-11-18. Review status: criteria provided, single submitter. Criteria: Ambry Variant Classification Scheme 2023. Collection method: clinical testing. Allele origin: germline.

Labcorp Genetics (formerly Invitae), Labcorp
Classification: Uncertain significance. Last evaluated: 2022-03-10. Review status: criteria provided, single submitter. Criteria: Invitae Variant Classification Sherloc (09022015). Collection method: clinical testing. Allele origin: germline.
Comment: This variant has not been reported in the literature in individuals affected with FZD4-related conditions. In summary, the available evidence is currently insufficient to determine the role of this variant in disease. Therefore, it has been classified as a Variant of Uncertain Significance. Algorithms developed to predict the effect of missense changes on protein structure and function are either unavailable or do not agree on the potential impact of this missense change (SIFT: "Deleterious"; PolyPhen-2: "Probably Damaging"; Align-GVGD: "Class C0"). ClinVar contains an entry for this variant (Variation ID: 1024258). This variant is present in population databases (rs369255094, gnomAD 0.004%). This sequence change replaces valine, which is neutral and non-polar, with methionine, which is neutral and non-polar, at codon 391 of the FZD4 protein (p.Val391Met).

PreventionGenetics, part of Exact Sciences
Classification: Uncertain significance for FZD4-related condition. Last evaluated: 2024-03-29. Review status: no assertion criteria provided. Collection method: clinical testing. Allele origin: germline. Not counted in ClinVar's aggregate classification.
Comment: The FZD4 c.1171G>A variant is predicted to result in the amino acid substitution p.Val391Met. To our knowledge, this variant has not been reported in the literature. This variant is reported in 0.0040% of alleles in individuals of African descent in gnomAD. At this time, the clinical significance of this variant is uncertain due to the absence of conclusive functional and genetic evidence.

NM_012193.4(FZD4):c.1171G>A (p.Val391Met)

Genes: FZD4 (frizzled class receptor 4; minus strand), PRSS23 (serine protease 23; plus strand). Cytogenetic location: 11q14.2.
Variant type: single nucleotide variant.
Coding change: c.1171G>A on transcript NM_012193.4 (MANE Select); coding-DNA position 1171, G replaced by A.
Protein change: p.Val391Met; replaces valine 391 with methionine.
Molecular consequence: missense variant. On other transcripts: non-coding transcript variant (2).
Genome position (GRCh38, 1-based): chr11:86,951,585, C>T on the plus strand (G>A on the coding strand, the complement: FZD4 is on the minus strand). VCF-style: chr11-86951585-C-T. GRCh37 (hg19) VCF-style: chr11-86662627-C-T.
Other names: c.1171G>A (NM_012193.3); short protein forms V391M.
Identifiers: ClinVar variation 1024258 (VCV001024258.10), dbSNP rs369255094, ClinGen allele CA6218364.